The following is an entry in ClinVar:

NM_005188.4(CBL):c.204G>T (p.Arg68=)

Gene: CBL (Cbl proto-oncogene; plus strand). Cytogenetic location: 11q23.3.
Variant type: single nucleotide variant.
Coding change: c.204G>T on transcript NM_005188.4 (MANE Select); coding-DNA position 204, G replaced by T.
Protein change: p.Arg68=; no amino-acid change (arginine 68 retained).
Molecular consequence: synonymous variant.
Genome position (GRCh38, 1-based): chr11:119,232,456, G>T. VCF-style: chr11-119232456-G-T. GRCh37 (hg19) VCF-style: chr11-119103166-G-T.
Identifiers: ClinVar variation 509999 (VCV000509999.12), dbSNP rs1193552867, ClinGen allele CA477374686.

ClinVar aggregate classification (germline): Conflicting classifications of pathogenicity. Review status: criteria provided, conflicting classifications (1 of 4 stars). 4 submissions from 4 submitters: Uncertain significance (1); Likely benign (3). Last evaluated 2025-10-07.

Conditions:
Noonan syndrome and Noonan-related syndrome. Identifiers: Orphanet 98733, MedGen C5681679, MONDO:0020297.
RASopathy. Also called: Noonan spectrum disorder; rasopathies. Identifiers: Orphanet 536391, MedGen C5555857, MONDO:0021060.
Cardiovascular phenotype. Identifiers: MedGen CN230736.

Allele frequency attached by ClinVar (database versions not stated): gnomAD exomes below 0.00001.
gnomAD v4.1: 11 of 1,613,714 alleles (0.00068%); highest among the groups gnomAD compares: Non-Finnish European, 0.00093%; no homozygotes.

Submissions (4):

Labcorp Genetics (formerly Invitae), Labcorp
Classification: Likely benign for RASopathy. Last evaluated: 2025-10-07. Review status: criteria provided, single submitter. Criteria: Invitae Variant Classification Sherloc (09022015). Collection method: clinical testing. Allele origin: germline.

Ambry Genetics
Classification: Likely benign for Cardiovascular phenotype. Last evaluated: 2023-12-16. Review status: criteria provided, single submitter. Criteria: Ambry Variant Classification Scheme 2023. Collection method: clinical testing. Allele origin: germline.

Genome Diagnostics Laboratory, The Hospital for Sick Children
Classification: Uncertain significance for Noonan syndrome and Noonan-related syndrome. Last evaluated: 2020-01-01. Review status: criteria provided, single submitter. Criteria: ACMG Guidelines, 2015. Collection method: clinical testing. Allele origin: germline.

GeneDx
Classification: Likely benign. Last evaluated: 2017-05-31. Review status: criteria provided, single submitter. Criteria: GeneDx Variant Classification (06012015). Collection method: clinical testing. Allele origin: germline. Affected: yes.
Comment: This variant is considered likely benign or benign based on one or more of the following criteria: it is a conservative change, it occurs at a poorly conserved position in the protein, it is predicted to be benign by multiple in silico algorithms, and/or has population frequency not consistent with disease.